The following is an entry in ClinVar:

ClinVar aggregate classification (germline): Likely pathogenic (1 of 4 stars; one submission).

Submission:

Labcorp Genetics (formerly Invitae), Labcorp
Classification: Likely pathogenic. Last evaluated: 2025-06-29. Review status: criteria provided, single submitter. Criteria: Invitae Variant Classification Sherloc (09022015). Collection method: clinical testing. Allele origin: germline.
Comment: This sequence change affects an acceptor splice site in intron 77 of the LRP2 gene. It is expected to disrupt RNA splicing. Variants that disrupt the donor or acceptor splice site typically lead to a loss of protein function (PMID: 16199547), and loss-of-function variants in LRP2 are known to be pathogenic (PMID: 17632512, 25682901). This variant is not present in population databases (gnomAD no frequency). This variant has not been reported in the literature in individuals affected with LRP2-related conditions. Algorithms developed to predict the effect of sequence changes on RNA splicing suggest that this variant may disrupt the consensus splice site. In summary, the currently available evidence indicates that the variant is pathogenic, but additional data are needed to prove that conclusively. Therefore, this variant has been classified as Likely Pathogenic.

Literature cited by the submitters: PubMed 16199547; PubMed 17632512; PubMed 25682901.

NM_004525.3(LRP2):c.13729-1G>C

Gene: LRP2 (LDL receptor related protein 2; minus strand). Cytogenetic location: 2q31.1.
Variant type: single nucleotide variant.
Coding change: c.13729-1G>C on transcript NM_004525.3 (MANE Select); the canonical splice acceptor site of the intron before coding-DNA position 13729, G replaced by C.
Molecular consequence: splice acceptor variant.
Genome position (GRCh38, 1-based): chr2:169,129,085, C>G on the plus strand (G>C on the coding strand, the complement: LRP2 is on the minus strand). VCF-style: chr2-169129085-C-G. GRCh37 (hg19) VCF-style: chr2-169985595-C-G.
Identifiers: ClinVar variation 4722351 (VCV004722351.1).